The following is an entry in ClinVar:

ClinVar aggregate classification (germline): Uncertain significance. Review status: criteria provided, multiple submitters, no conflicts (2 of 4 stars). 2 submissions from 2 submitters: Uncertain significance (2). Last evaluated 2023-11-22.

Conditions:
Familial thoracic aortic aneurysm and aortic dissection (TAAD). Also called: Thoracic aortic aneurysms and dissections. Identifiers: Orphanet 91387, MedGen C4707243, MONDO:0019625.

Allele frequency attached by ClinVar (database versions not stated): gnomAD exomes below 0.00001.
gnomAD v4.1: 2 of 1,614,220 alleles (0.00012%); highest among the groups gnomAD compares: Middle Eastern, 0.016%; no homozygotes.

Submissions (2):

Labcorp Genetics (formerly Invitae), Labcorp
Classification: Uncertain significance for Familial thoracic aortic aneurysm and aortic dissection. Last evaluated: 2023-11-22. Review status: criteria provided, single submitter. Criteria: Invitae Variant Classification Sherloc (09022015). Collection method: clinical testing. Allele origin: germline.
Comment: This sequence change replaces glutamic acid, which is acidic and polar, with lysine, which is basic and polar, at codon 302 of the TGFBR2 protein (p.Glu302Lys). This variant is not present in population databases (gnomAD no frequency). This variant has not been reported in the literature in individuals affected with TGFBR2-related conditions. Advanced modeling of protein sequence and biophysical properties (such as structural, functional, and spatial information, amino acid conservation, physicochemical variation, residue mobility, and thermodynamic stability) has been performed at Invitae for this missense variant, however the output from this modeling did not meet the statistical confidence thresholds required to predict the impact of this variant on TGFBR2 protein function. In summary, the available evidence is currently insufficient to determine the role of this variant in disease. Therefore, it has been classified as a Variant of Uncertain Significance.

GeneDx
Classification: Uncertain significance. Last evaluated: 2023-04-06. Review status: criteria provided, single submitter. Criteria: GeneDx Variant Classification Process June 2021. Collection method: clinical testing. Allele origin: germline. Affected: yes.
Comment: Has not been previously published as pathogenic or benign to our knowledge; Not observed at significant frequency in large population cohorts (gnomAD); In silico analysis supports that this missense variant has a deleterious effect on protein structure/function

NM_003242.6(TGFBR2):c.904G>A (p.Glu302Lys)

Gene: TGFBR2 (transforming growth factor beta receptor 2; plus strand). Cytogenetic location: 3p24.1.
Variant type: single nucleotide variant.
Coding change: c.904G>A on transcript NM_003242.6 (MANE Select); coding-DNA position 904, G replaced by A.
Protein change: p.Glu302Lys; replaces glutamic acid 302 with lysine.
Molecular consequence: missense variant. On other transcripts: intron variant (1).
Genome position (GRCh38, 1-based): chr3:30,672,087, G>A. VCF-style: chr3-30672087-G-A. GRCh37 (hg19) VCF-style: chr3-30713579-G-A.
Other names: c.1087G>A, p.Glu363Lys (NM_001407126.1); c.1012G>A, p.Glu338Lys (NM_001407127.1); c.931G>A, p.Glu311Lys (NM_001407128.1); c.799G>A, p.Glu267Lys (NM_001407134.1, NM_001407135.1, NM_001407133.1 and 2 more transcripts); c.904G>A, p.Glu302Lys (NM_001407130.1); c.907G>A, p.Glu303Lys (NM_001407129.1); c.979G>A, p.Glu327Lys (NM_001024847.3); c.619G>A, p.Glu207Lys (NM_001407137.1); and 3 more; short protein forms E207K, E303K, E267K, E311K, E327K, E302K, E182K, E338K.
Identifiers: ClinVar variation 2746848 (VCV002746848.4), dbSNP rs2125435000, ClinGen allele CA351808134.